The following is an entry in ClinVar:

ClinVar aggregate classification (germline): Likely pathogenic (1 of 4 stars; one submission).

Allele frequency attached by ClinVar (database versions not stated): gnomAD 0.00001; gnomAD exomes 0.00001; TOPMed 0.00001.
gnomAD v4.1: 9 of 1,613,088 alleles (0.00056%); highest among the groups gnomAD compares: Non-Finnish European, 0.00068%; no homozygotes.

Submission:

Labcorp Genetics (formerly Invitae), Labcorp
Classification: Likely pathogenic. Last evaluated: 2023-04-27. Review status: criteria provided, single submitter. Criteria: Invitae Variant Classification Sherloc (09022015). Collection method: clinical testing. Allele origin: germline.
Comment: This variant is not present in population databases (gnomAD no frequency). In summary, the currently available evidence indicates that the variant is pathogenic, but additional data are needed to prove that conclusively. Therefore, this variant has been classified as Likely Pathogenic. Algorithms developed to predict the effect of sequence changes on RNA splicing suggest that this variant may disrupt the consensus splice site. Disruption of this splice site has been observed in individual(s) with HACE1-related conditions (PMID: 32404165). This sequence change affects an acceptor splice site in intron 19 of the HACE1 gene. It is expected to disrupt RNA splicing. Variants that disrupt the donor or acceptor splice site typically lead to a loss of protein function (PMID: 16199547), and loss-of-function variants in HACE1 are known to be pathogenic (PMID: 26424145, 26437029).

Literature cited by the submitters: PubMed 32404165; PubMed 16199547; PubMed 26424145; PubMed 26437029.

NM_020771.4(HACE1):c.2212-1G>A

Gene: HACE1 (HECT domain and ankyrin repeat containing E3 ubiquitin protein ligase 1; minus strand). Cytogenetic location: 6q16.3.
Variant type: single nucleotide variant.
Coding change: c.2212-1G>A on transcript NM_020771.4 (MANE Select); the canonical splice acceptor site of the intron before coding-DNA position 2212, G replaced by A.
Molecular consequence: splice acceptor variant.
Genome position (GRCh38, 1-based): chr6:104,750,473, C>T on the plus strand (G>A on the coding strand, the complement: HACE1 is on the minus strand). VCF-style: chr6-104750473-C-T. GRCh37 (hg19) VCF-style: chr6-105198348-C-T.
Other names: c.1708-1G>A (NM_001321084.2, NM_001350557.2, NM_001350558.2); c.2110-1G>A (NM_001321083.2); c.1921-1G>A (NM_001350555.2); c.1429-1G>A (NM_001350560.2); c.1726-1G>A (NM_001350556.2); c.1630-1G>A (NM_001350559.2); c.2080-1G>A (NM_001321080.2); c.1978-1G>A (NM_001350554.2).
Identifiers: ClinVar variation 2982269 (VCV002982269.3), dbSNP rs915732285, ClinGen allele CA144890209.
Genomic context (GRCh38, chr6:104,750,473, plus strand): 5'-GATCTGAGGCTGAATGGCTCTTGTCATTCGAAGTTCAGTAACAAGCTGGACGTACTCCGC[C>T]TGTTGAAAAAGAAGTTTTCATGATGACTTTTCAAAAACCTTTTACATACTTAATGTTAAT-3'